The following is an entry in ClinVar:

NM_003482.4(KMT2D):c.177-2A>G

Gene: KMT2D (lysine methyltransferase 2D; minus strand). Cytogenetic location: 12q13.12.
Variant type: single nucleotide variant.
Coding change: c.177-2A>G on transcript NM_003482.4 (MANE Select); the canonical splice acceptor site of the intron before coding-DNA position 177, A replaced by G.
Molecular consequence: splice acceptor variant.
Genome position (GRCh38, 1-based): chr12:49,054,753, T>C on the plus strand (A>G on the coding strand, the complement: KMT2D is on the minus strand). VCF-style: chr12-49054753-T-C. GRCh37 (hg19) VCF-style: chr12-49448536-T-C.
Identifiers: ClinVar variation 1687437 (VCV001687437.3), dbSNP rs2120713788, ClinGen allele CA384689459.
Genomic context (GRCh38, chr12:49,054,753, plus strand): 5'-GCCCGTGTAGACTGGGCTCCCCGCAGTTACAGAGAGCACAACGCCGCACCGGACCCCCAC[T>C]GTGGACACACAAGCATCAGTACCACGCCAGGCCCCCAGCAACCCCATGATCTGGCATGCC-3'

ClinVar aggregate classification (germline): Pathogenic/Likely pathogenic. Review status: criteria provided, multiple submitters, no conflicts (2 of 4 stars). 2 submissions from 2 submitters: Pathogenic (1); Likely pathogenic (1). Last evaluated 2022-05-22.

Conditions:
Choanal atresia-athelia-hypothyroidism-delayed puberty-short stature syndrome (BCAHH). Also called: BRANCHIAL ARCH ABNORMALITIES, CHOANAL ATRESIA, ATHELIA, HEARING LOSS, AND HYPOTHYROIDISM SYNDROME. Identifiers: Orphanet 589856, MedGen C5680310, MONDO:0035651, OMIM 620186.
Kabuki syndrome 1 (KABUK1). Also called: KMT2D-Related Kabuki Syndrome. Identifiers: Orphanet 2322, MedGen CN030661, MONDO:0007843, OMIM 147920.

Submissions (2):

3billion
Classification: Likely pathogenic for Kabuki syndrome 1. Last evaluated: 2022-05-22. Review status: criteria provided, single submitter. Criteria: ACMG Guidelines, 2015. Collection method: clinical testing. Allele origin: germline. Affected: yes. Observed: 1 heterozygote.
Comment: The variant is not observed in the gnomAD v2.1.1 dataset. Canonical splice site: predicted to alter splicing and result in a loss or disruption of normal protein function. Multiple pathogenic loss-of-function variants are reported downstream of the variant. Therefore, this variant is classified as likely pathogenic according to the recommendation of ACMG/AMP guideline.

Juno Genomics, Hangzhou Juno Genomics, Inc
Classification: Pathogenic for Choanal atresia-athelia-hypothyroidism-delayed puberty-short stature syndrome; Kabuki syndrome 1. Review status: criteria provided, single submitter. Criteria: ACMG Guidelines, 2015. Collection method: clinical testing. Allele origin: germline. Affected: yes.
Comment: Absent from controls (or at extremely low frequency if recessive) in Genome Aggregation Database, Exome Sequencing Project, 1000 Genomes Project, or Exome Aggregation Consortium.;Null variant in a gene where loss of function (LOF) is a known mechanism of disease.;The prevalence of the variant in affected individuals is significantly increased compared to the prevalence in controls.;De novo (both maternity and paternity confirmed) in a patient with the disease and no family history.